The following is an entry in ClinVar:

NM_014363.6(SACS):c.3971T>C (p.Ile1324Thr)

Gene: SACS (sacsin molecular chaperone; minus strand). Cytogenetic location: 13q12.12.
Variant type: single nucleotide variant.
Coding change: c.3971T>C on transcript NM_014363.6 (MANE Select); coding-DNA position 3971, T replaced by C.
Protein change: p.Ile1324Thr; replaces isoleucine 1324 with threonine.
Molecular consequence: missense variant.
Genome position (GRCh38, 1-based): chr13:23,339,905, A>G on the plus strand (T>C on the coding strand, the complement: SACS is on the minus strand). VCF-style: chr13-23339905-A-G. GRCh37 (hg19) VCF-style: chr13-23914044-A-G.
Other names: c.3530T>C, p.Ile1177Thr (NM_001278055.2); c.3971T>C (NM_014363.4); short protein forms I1177T, I1324T.
Identifiers: ClinVar variation 2165555 (VCV002165555.2), dbSNP rs1273573590, ClinGen allele CA387533148.

ClinVar aggregate classification (germline): Uncertain significance. Review status: criteria provided, multiple submitters, no conflicts (2 of 4 stars). 2 submissions from 2 submitters: Uncertain significance (2). Last evaluated 2024-07-16.

Conditions:
Spastic paraplegia. Identifiers: MedGen C0037772, HP:0001258.
Inborn genetic diseases. Identifiers: MedGen C0950123, MeSH D030342.

Allele frequency attached by ClinVar (database versions not stated): gnomAD exomes below 0.00001; TOPMed below 0.00001; gnomAD 0.00001.
gnomAD v4.1: 6 of 1,613,944 alleles (0.00037%); highest among the groups gnomAD compares: Non-Finnish European, 0.00051%; no homozygotes.

Submissions (2):

Ambry Genetics
Classification: Uncertain significance for Inborn genetic diseases. Last evaluated: 2024-07-16. Review status: criteria provided, single submitter. Criteria: Ambry Variant Classification Scheme 2023. Collection method: clinical testing. Allele origin: germline.

Labcorp Genetics (formerly Invitae), Labcorp
Classification: Uncertain significance for Spastic paraplegia. Last evaluated: 2022-05-15. Review status: criteria provided, single submitter. Criteria: Invitae Variant Classification Sherloc (09022015). Collection method: clinical testing. Allele origin: germline.
Comment: This sequence change replaces isoleucine, which is neutral and non-polar, with threonine, which is neutral and polar, at codon 1324 of the SACS protein (p.Ile1324Thr). This variant is present in population databases (no rsID available, gnomAD 0.007%). This variant has not been reported in the literature in individuals affected with SACS-related conditions. Advanced modeling of protein sequence and biophysical properties (such as structural, functional, and spatial information, amino acid conservation, physicochemical variation, residue mobility, and thermodynamic stability) performed at Invitae indicates that this missense variant is not expected to disrupt SACS protein function. Algorithms developed to predict the effect of sequence changes on RNA splicing suggest that this variant may create or strengthen a splice site. In summary, the available evidence is currently insufficient to determine the role of this variant in disease. Therefore, it has been classified as a Variant of Uncertain Significance.